The following is an entry in ClinVar:

ClinVar aggregate classification (germline): Pathogenic (1 of 4 stars; one submission).

Conditions:
Intellectual disability-facial dysmorphism syndrome due to SETD5 haploinsufficiency (MRD23). Also called: Intellectual developmental disorder, autosomal dominant 23. Identifiers: Orphanet 404440, MedGen C3810406, MONDO:0014336, OMIM 615761.

Submission:

Baylor Genetics
Classification: Pathogenic for Intellectual disability-facial dysmorphism syndrome due to SETD5 haploinsufficiency. Last evaluated: 2018-10-15. Review status: criteria provided, single submitter. Criteria: ACMG Guidelines, 2015. Collection method: clinical testing. Allele origin: de novo. Affected: yes.
Comment: This variant was determined to be pathogenic according to ACMG Guidelines, 2015 [PMID:25741868].

NM_001080517.3(SETD5):c.1495del (p.Asp499fs)

Gene: SETD5 (SET domain containing 5; plus strand). Cytogenetic location: 3p25.3.
Variant type: Deletion.
Coding change: c.1495del on transcript NM_001080517.3 (MANE Select); coding-DNA position 1495, one base deleted (G; older notation c.1495delG).
Protein change: p.Asp499fs; shifts the reading frame from aspartic acid 499.
Molecular consequence: frameshift variant.
Genome position (GRCh38, 1-based): chr3:9,445,711, G deleted. VCF-style (leftmost placement, unchanged base first): chr3-9445710-TG-T. GRCh37 (hg19) VCF-style: chr3-9487394-TG-T.
Other names: c.1201del, p.Asp401fs (NM_001292043.2, NM_001349451.2); short protein forms D401fs, D499fs.
Identifiers: ClinVar variation 1032603 (VCV001032603.1), dbSNP rs2041856807, ClinGen allele CA1344732093.
Genomic context (GRCh38, chr3:9,445,710, plus strand): 5'-CTTAAAGGAAGTAGACAATCCAGAAGAAAAACCAGAAGAAGAGAAAGAAGAGGTTATAGA[TG>T]ACCAGGAGAACCTAGCTCATAGCAGGAGGGTGAGTACTGTCTGACATTACTTTGCTCCTT-3'